The following is an entry in ClinVar:

NM_007294.4(BRCA1):c.937T>C (p.Leu313=)

Gene: BRCA1 (BRCA1 DNA repair associated; minus strand). Cytogenetic location: 17q21.31.
Variant type: single nucleotide variant.
Coding change: c.937T>C on transcript NM_007294.4 (MANE Select); coding-DNA position 937, T replaced by C.
Protein change: p.Leu313=; no amino-acid change (leucine 313 retained).
Molecular consequence: synonymous variant. On other transcripts: intron variant (137).
Genome position (GRCh38, 1-based): chr17:43,094,594, A>G on the plus strand (T>C on the coding strand, the complement: BRCA1 is on the minus strand). VCF-style: chr17-43094594-A-G. GRCh37 (hg19) VCF-style: chr17-41246611-A-G.
Other names: c.814T>C, p.Leu272= (NM_001407648.1, NM_001407664.1, NM_001407665.1 and 19 more transcripts); c.811T>C, p.Leu271= (NM_001407649.1, NM_001407670.1, NM_001407671.1 and 11 more transcripts); c.937T>C, p.Leu313= (NM_001407652.1, NM_001407684.1, NM_001407854.1 and 30 more transcripts); c.859T>C, p.Leu287= (NM_001407653.1, NM_001407654.1, NM_001407655.1 and 4 more transcripts); c.856T>C, p.Leu286= (NM_001407659.1, NM_001407660.1, NM_001407661.1 and 1 more transcripts); c.796T>C, p.Leu266= (NM_001407692.1, NM_001407694.1, NM_001407695.1 and 29 more transcripts); c.793T>C, p.Leu265= (NM_001407740.1, NM_001407741.1, NM_001407742.1 and 20 more transcripts); c.724T>C, p.Leu242= (NM_001407853.1, NM_001407894.1, NM_001407895.1 and 9 more transcripts); and 40 more.
Identifiers: ClinVar variation 427257 (VCV000427257.19), dbSNP rs1131692072, ClinGen allele CA500234104.

ClinVar aggregate classification (germline): Likely benign. Review status: reviewed by expert panel (3 of 4 stars). 5 submissions from 5 submitters: Likely benign (1). 4 of the submissions do not count toward it. Last evaluated 2017-06-29.

Conditions:
Hereditary breast ovarian cancer syndrome. Also called: Hereditary breast and ovarian cancer syndrome (HBOC); BRCA1- and BRCA2-Associated Hereditary Breast and Ovarian Cancer; Hereditary breast and/or ovarian cancer syndrome; Hereditary breast and ovarian cancer syndrome; Hereditary breast and ovarian cancer; Breast and ovarian cancer. Identifiers: Orphanet 145, MedGen C0677776, MeSH D061325, MONDO:0003582. Disease mechanism: loss of function.
Hereditary cancer-predisposing syndrome. Also called: Neoplastic Syndromes, Hereditary; Hereditary neoplastic syndrome; Tumor predisposition; Hereditary Cancer Syndrome. Identifiers: Orphanet 140162, MedGen C0027672, MeSH D009386, MONDO:0015356.
Breast-ovarian cancer, familial, susceptibility to, 1 (BROVCA1). Also called: BRCA1 Hereditary Breast and Ovarian Cancer; OVARIAN CANCER, SUSCEPTIBILITY TO. Identifiers: Orphanet 145, MedGen C2676676, MONDO:0011450, OMIM 604370. Disease mechanism: loss of function.

Allele frequency attached by ClinVar (database versions not stated): gnomAD exomes below 0.00001.
gnomAD v4.1: 2 of 1,614,176 alleles (0.00012%); highest among the groups gnomAD compares: Non-Finnish European, 0.00017%; no homozygotes.

Submissions (5):

Evidence-based Network for the Interpretation of Germline Mutant Alleles (ENIGMA)
Classification: Likely benign for Breast-ovarian cancer, familial, susceptibility to, 1. Last evaluated: 2017-06-29. Review status: reviewed by expert panel. Criteria: ENIGMA BRCA1/2 Classification Criteria (2017-06-29). Collection method: curation. Allele origin: germline.
Comment: Synonymous substitution variant, with low bioinformatic likelihood to result in a splicing aberration (Splicing prior probability 0.02).

Labcorp Genetics (formerly Invitae), Labcorp
Classification: Likely benign for Hereditary breast ovarian cancer syndrome. Last evaluated: 2025-01-20. Review status: criteria provided, single submitter. Criteria: Invitae Variant Classification Sherloc (09022015). Collection method: clinical testing. Allele origin: germline. Not counted in ClinVar's aggregate classification.

Women's Health and Genetics/Laboratory Corporation of America, LabCorp
Classification: Likely benign. Last evaluated: 2024-05-20. Review status: criteria provided, single submitter. Criteria: LabCorp Variant Classification Summary - May 2015. Collection method: clinical testing. Allele origin: germline. Not counted in ClinVar's aggregate classification.

Color Diagnostics, LLC DBA Color Health
Classification: Likely benign for Hereditary cancer-predisposing syndrome. Last evaluated: 2020-12-01. Review status: criteria provided, single submitter. Criteria: ACMG Guidelines, 2015. Collection method: clinical testing. Allele origin: germline. Not counted in ClinVar's aggregate classification.

Ambry Genetics
Classification: Likely benign for Hereditary cancer-predisposing syndrome. Last evaluated: 2017-12-04. Review status: criteria provided, single submitter. Criteria: Ambry Variant Classification Scheme 2023. Collection method: clinical testing. Allele origin: germline. Not counted in ClinVar's aggregate classification.